The following is an entry in ClinVar:

NM_002474.3(MYH11):c.691G>A (p.Ala231Thr)

Gene: MYH11 (myosin heavy chain 11; minus strand). Cytogenetic location: 16p13.11.
Variant type: single nucleotide variant.
Coding change: c.691G>A on transcript NM_002474.3 (MANE Select); coding-DNA position 691, G replaced by A.
Protein change: p.Ala231Thr; replaces alanine 231 with threonine.
Molecular consequence: missense variant.
Genome position (GRCh38, 1-based): chr16:15,782,420, C>T on the plus strand (G>A on the coding strand, the complement: MYH11 is on the minus strand). VCF-style: chr16-15782420-C-T. GRCh37 (hg19) VCF-style: chr16-15876277-C-T.
Other names: c.712G>A, p.Ala238Thr (NM_001040113.2, NM_001040114.2); c.691G>A, p.Ala231Thr (NM_022844.3); short protein forms A231T, A238T.
Identifiers: ClinVar variation 4849918 (VCV004849918.1).

ClinVar aggregate classification (germline): VUS-mid (0 of 4 stars; one submission).

Conditions:
Visceral myopathy 2. Identifiers: MedGen C5543466, MONDO:0859157, OMIM 619350.

gnomAD v4.1: 1 of 1,614,132 alleles (0.000062%); no homozygotes.

Submission:

Newman Lab, University of Manchester
Classification: VUS-mid for Visceral myopathy 2. Last evaluated: 2026-05-01. Review status: no assertion criteria provided. Collection method: research. Allele origin: maternal. Inheritance: Autosomal dominant inheritance. Affected: yes.
Comment: Not observed at significant frequency in large population cohorts (gnomAD v4.1); CADD score deleterious